The following is an entry in ClinVar:

ClinVar aggregate classification (germline): Conflicting classifications of pathogenicity. Review status: criteria provided, conflicting classifications (1 of 4 stars). 2 submissions from 2 submitters: Uncertain significance (1); Likely benign (1). Last evaluated 2024-12-16.

Conditions:
Inborn genetic diseases. Identifiers: MedGen C0950123, MeSH D030342.
PKD1L1-related disorder. Also called: PKD1L1-related condition.

Allele frequency attached by ClinVar (database versions not stated): TOPMed 0.00008; gnomAD exomes 0.00010; ESP Exome Variant Server 0.00015; ExAC 0.00018.
gnomAD v4.1: 166 of 1,614,066 alleles (0.01%); highest among the groups gnomAD compares: South Asian, 0.052%; no homozygotes.

Submissions (2):

PreventionGenetics, part of Exact Sciences
Classification: Likely benign for PKD1L1-related condition. Last evaluated: 2024-12-16. Review status: criteria provided, single submitter. Criteria: ACMG Guidelines, 2015. Collection method: clinical testing. Allele origin: germline.
Comment: This variant is classified as likely benign based on ACMG/AMP sequence variant interpretation guidelines (Richards et al. 2015 PMID: 25741868, with internal and published modifications).

Ambry Genetics
Classification: Uncertain significance for Inborn genetic diseases. Last evaluated: 2024-01-08. Review status: criteria provided, single submitter. Criteria: Ambry Variant Classification Scheme 2023. Collection method: clinical testing. Allele origin: germline.

NM_138295.5(PKD1L1):c.4843G>A (p.Val1615Ile)

Gene: PKD1L1 (polycystin 1 like 1, transient receptor potential channel interacting; minus strand). Cytogenetic location: 7p12.3.
Variant type: single nucleotide variant.
Coding change: c.4843G>A on transcript NM_138295.5 (MANE Select); coding-DNA position 4843, G replaced by A.
Protein change: p.Val1615Ile; replaces valine 1615 with isoleucine.
Molecular consequence: missense variant.
Genome position (GRCh38, 1-based): chr7:47,854,898, C>T on the plus strand (G>A on the coding strand, the complement: PKD1L1 is on the minus strand). VCF-style: chr7-47854898-C-T. GRCh37 (hg19) VCF-style: chr7-47894496-C-T.
Other names: short protein forms V1615I.
Identifiers: ClinVar variation 3213558 (VCV003213558.2), dbSNP rs369137577, ClinGen allele CA4253021.